The following is an entry in ClinVar:

ClinVar aggregate classification (germline): Uncertain significance (1 of 4 stars; one submission).

gnomAD v4.1: 4 of 1,609,520 alleles (0.00025%); highest among the groups gnomAD compares: Admixed American, 0.0017%; no homozygotes.

Submission:

Ambry Genetics
Classification: Uncertain significance. Last evaluated: 2025-02-25. Review status: criteria provided, single submitter. Criteria: Ambry Variant Classification Scheme 2023. Collection method: clinical testing. Allele origin: germline.
Comment: The p.A1156D variant (also known as c.3467C>A), located in coding exon 14 of the WNK2 gene, results from a C to A substitution at nucleotide position 3467. The alanine at codon 1156 is replaced by aspartic acid, an amino acid with dissimilar properties. This amino acid position is conserved. In addition, this alteration is predicted to be tolerated by in silico analysis. Based on the available evidence, the clinical significance of this variant remains unclear.

NM_006648.4(WNK2):c.3467C>A (p.Ala1156Asp)

Gene: WNK2 (WNK lysine deficient protein kinase 2; plus strand). Cytogenetic location: 9q22.31.
Variant type: single nucleotide variant.
Coding change: c.3467C>A on transcript NM_006648.4 (MANE Select); coding-DNA position 3467, C replaced by A.
Protein change: p.Ala1156Asp; replaces alanine 1156 with aspartic acid.
Molecular consequence: missense variant.
Genome position (GRCh38, 1-based): chr9:93,263,622, C>A. VCF-style: chr9-93263622-C-A. GRCh37 (hg19) VCF-style: chr9-96025904-C-A.
Other names: c.3467C>A, p.Ala1156Asp (NM_001282394.3); short protein forms A1156D.
Identifiers: ClinVar variation 3817155 (VCV003817155.1).
Genomic context (GRCh38, chr9:93,263,622, plus strand): 5'-TCAGCTATGGAGGTTCTGATGTCACTTCTGGAAAAGAGCTGAGTGACAGCTGTGAAGGCG[C>A]CTTTGGAGGGGGCAGGCTGGAGGGCAGGGCAGCCCGAAAACACCACCGCAGGTCCACGCG-3'
Protein context (NP_006639.3, residues 1146-1166): GKELSDSCEG[Ala1156Asp]FGGGRLEGRA